The following is an entry in ClinVar:

ClinVar aggregate classification (germline): Likely benign (1 of 4 stars; one submission).

Allele frequency attached by ClinVar (database versions not stated): gnomAD 0.00032; 1000 Genomes Project 30x 0.00094.

Submission:

CeGaT Center for Human Genetics Tuebingen
Classification: Likely benign. Last evaluated: 2026-04-01. Review status: criteria provided, single submitter. Criteria: CeGaT Center For Human Genetics Tuebingen Variant Classification Criteria Version 2. Collection method: clinical testing. Allele origin: germline. Affected: yes. Observed: 2 variant alleles.
Comment: UBC: BP4, BP7

NM_021009.7(UBC):c.199C>T (p.Leu67=)

Gene: UBC (ubiquitin C; minus strand). Cytogenetic location: 12q24.31.
Variant type: single nucleotide variant.
Coding change: c.199C>T on transcript NM_021009.7 (MANE Select); coding-DNA position 199, C replaced by T.
Protein change: p.Leu67=; no amino-acid change (leucine 67 retained).
Molecular consequence: synonymous variant.
Genome position (GRCh38, 1-based): chr12:124,913,573, G>A on the plus strand (C>T on the coding strand, the complement: UBC is on the minus strand). VCF-style: chr12-124913573-G-A. GRCh37 (hg19) VCF-style: chr12-125398119-G-A.
Identifiers: ClinVar variation 2643576 (VCV002643576.24), dbSNP rs758146234, ClinGen allele CA6871094.
Genomic context (GRCh38, chr12:124,913,573, plus strand): 5'-TGCCAGTGAGTGTCTTCACGAAGATTTGCATCCCACCTCTGAGACGGAGCACCAGGTGCA[G>A]GGTGGACTCTTTCTGGATGTTGTAGTCAGACAGGGTGCGCCCATCTTCCAGCTGTTTTCC-3'
Protein context (NP_066289.3, residues 57-77): SDYNIQKEST[Leu67=]HLVLRLRGGM